The following is an entry in ClinVar:

NM_001374736.1(DST):c.18186G>T (p.Leu6062Phe)

Gene: DST (dystonin; minus strand). Cytogenetic location: 6p12.1.
Variant type: single nucleotide variant.
Coding change: c.18186G>T on transcript NM_001374736.1 (MANE Select); coding-DNA position 18186, G replaced by T.
Protein change: p.Leu6062Phe; replaces leucine 6062 with phenylalanine.
Molecular consequence: missense variant.
Genome position (GRCh38, 1-based): chr6:56,517,564, C>A on the plus strand (G>T on the coding strand, the complement: DST is on the minus strand). VCF-style: chr6-56517564-C-A. GRCh37 (hg19) VCF-style: chr6-56382362-C-A.
Other names: c.11829G>T, p.Leu3943Phe (NM_001144769.5); c.11415G>T, p.Leu3805Phe (NM_001144770.2); c.18186G>T, p.Leu6062Phe (NM_001374722.1); c.17226G>T, p.Leu5742Phe (NM_001374729.1); c.10968G>T, p.Leu3656Phe (NM_001374730.1); c.18213G>T, p.Leu6071Phe (NM_001374734.1); c.11295G>T, p.Leu3765Phe (NM_001386100.1, NM_183380.4); c.10317G>T, p.Leu3439Phe (NM_015548.5); short protein forms L3805F, L6071F, L3656F, L5742F, L3439F, L3765F, L3943F, L6062F.
Identifiers: ClinVar variation 2123177 (VCV002123177.4), dbSNP rs1177314709, ClinGen allele CA364504327.

ClinVar aggregate classification (germline): Uncertain significance (1 of 4 stars; one submission).

Conditions:
Epidermolysis bullosa simplex 3, localized or generalized intermediate, with BP230 deficiency (EBS3). Also called: Epidermolysis bullosa simplex, autosomal recessive 2; Epidermolysis bullosa simplex due to BP230 deficiency. Identifiers: Orphanet 412181, MedGen C3809470, MONDO:0014180, OMIM 615425.
Hereditary sensory and autonomic neuropathy type 6. Also called: Neuropathy, hereditary sensory and autonomic, type VI; HSAN VI. Identifiers: Orphanet 314381, MedGen C3539003, MONDO:0013839, OMIM 614653.

Submission:

Labcorp Genetics (formerly Invitae), Labcorp
Classification: Uncertain significance for Epidermolysis bullosa simplex 3, localized or generalized intermediate, with BP230 deficiency; Hereditary sensory and autonomic neuropathy type 6. Last evaluated: 2022-04-08. Review status: criteria provided, single submitter. Criteria: Invitae Variant Classification Sherloc (09022015). Collection method: clinical testing. Allele origin: germline.
Comment: The DST gene has multiple clinically relevant transcripts. This variant occurs in alternate transcript NM_015548.4, and corresponds to NM_001723.5:c.*97953G>T in the primary transcript. This sequence change replaces leucine, which is neutral and non-polar, with phenylalanine, which is neutral and non-polar, at codon 3439 of the DST protein (p.Leu3439Phe). This variant is not present in population databases (gnomAD no frequency). This variant has not been reported in the literature in individuals affected with DST-related conditions. Experimental studies and prediction algorithms are not available or were not evaluated, and the functional significance of this variant is currently unknown. In summary, the available evidence is currently insufficient to determine the role of this variant in disease. Therefore, it has been classified as a Variant of Uncertain Significance.